The following is an entry in ClinVar:

NM_144997.7(FLCN):c.952G>C (p.Glu318Gln)

Gene: FLCN (folliculin; minus strand). Cytogenetic location: 17p11.2.
Variant type: single nucleotide variant.
Coding change: c.952G>C on transcript NM_144997.7 (MANE Select); coding-DNA position 952, G replaced by C.
Protein change: p.Glu318Gln; replaces glutamic acid 318 with glutamine.
Molecular consequence: missense variant.
Genome position (GRCh38, 1-based): chr17:17,219,129, C>G on the plus strand (G>C on the coding strand, the complement: FLCN is on the minus strand). VCF-style: chr17-17219129-C-G. GRCh37 (hg19) VCF-style: chr17-17122443-C-G.
Other names: c.1006G>C, p.Glu336Gln (NM_001353229.2); c.952G>C, p.Glu318Gln (NM_001353230.2, NM_001353231.2); short protein forms E336Q, E318Q.
Identifiers: ClinVar variation 1767285 (VCV001767285.2), dbSNP rs756787389, ClinGen allele CA398532935.

ClinVar aggregate classification (germline): Uncertain significance (1 of 4 stars; one submission).

Conditions:
Hereditary cancer-predisposing syndrome. Also called: Hereditary Cancer Syndrome; Hereditary neoplastic syndrome; Neoplastic Syndromes, Hereditary; Tumor predisposition. Identifiers: Orphanet 140162, MedGen C0027672, MeSH D009386, MONDO:0015356.

Submission:

Ambry Genetics
Classification: Uncertain significance for Hereditary cancer-predisposing syndrome. Last evaluated: 2022-03-07. Review status: criteria provided, single submitter. Criteria: Ambry Variant Classification Scheme 2023. Collection method: clinical testing. Allele origin: germline.
Comment: The p.E318Q variant (also known as c.952G>C), located in coding exon 6 of the FLCN gene, results from a G to C substitution at nucleotide position 952. The glutamic acid at codon 318 is replaced by glutamine, an amino acid with highly similar properties. This amino acid position is conserved. In addition, this alteration is predicted to be tolerated by in silico analysis. Since supporting evidence is limited at this time, the clinical significance of this alteration remains unclear.